The following is an entry in ClinVar:

ClinVar aggregate classification (germline): Pathogenic/Likely pathogenic. Review status: criteria provided, multiple submitters, no conflicts (2 of 4 stars). 5 submissions from 5 submitters: Pathogenic (1); Likely pathogenic (4). Last evaluated 2026-01-05.

Conditions:
Hermansky-Pudlak syndrome (HPS). Also called: ALBINISM WITH HEMORRHAGIC DIATHESIS AND PIGMENTED RETICULOENDOTHELIAL CELLS. Identifiers: Orphanet 79430, MedGen C0079504, MONDO:0019312.
BLOC1S6-related disorder. Also called: BLOC1S6-related condition.
Hermansky-Pudlak syndrome 9 (HPS9). Identifiers: Orphanet 280663, Orphanet 79430, MedGen C3280026, MONDO:0013606, OMIM 614171.

Submissions (5):

GeneDx
Classification: Likely pathogenic. Last evaluated: 2026-01-05. Review status: criteria provided, single submitter. Criteria: GeneDx Variant Classification Process June 2021. Collection method: clinical testing. Allele origin: germline.
Comment: Frameshift variant predicted to result in abnormal protein length as the last 62 amino acids are replaced with 15 different amino acids; Not observed at significant frequency in large population cohorts (gnomAD); Has not been previously published as pathogenic or benign to our knowledge

Labcorp Genetics (formerly Invitae), Labcorp
Classification: Pathogenic for Hermansky-Pudlak syndrome 9. Last evaluated: 2024-10-30. Review status: criteria provided, single submitter. Criteria: Invitae Variant Classification Sherloc (09022015). Collection method: clinical testing. Allele origin: germline.
Comment: This sequence change creates a premature translational stop signal (p.Tyr111Serfs*16) in the BLOC1S6 gene. While this is not anticipated to result in nonsense mediated decay, it is expected to disrupt the last 62 amino acid(s) of the BLOC1S6 protein. This variant is not present in population databases (gnomAD no frequency). This variant has not been reported in the literature in individuals affected with BLOC1S6-related conditions. ClinVar contains an entry for this variant (Variation ID: 1444501). This variant disrupts a region of the BLOC1S6 protein in which other variant(s) (p.Ile118Tyrfs*10) have been determined to be pathogenic (PMID: 33543539). This suggests that this is a clinically significant region of the protein, and that variants that disrupt it are likely to be disease-causing. For these reasons, this variant has been classified as Pathogenic.

PreventionGenetics, part of Exact Sciences
Classification: Likely pathogenic for BLOC1S6-related condition. Last evaluated: 2024-10-14. Review status: criteria provided, single submitter. Criteria: ACMG Guidelines, 2015. Collection method: clinical testing. Allele origin: germline.
Comment: The BLOC1S6 c.332_333delAT variant is predicted to result in a frameshift and premature protein termination (p.Tyr111Serfs*16). To our knowledge, this variant has not been reported in the literature or in a large population database (gnomAD), indicating this variant is rare. Frameshift variants in BLOC1S6 are expected to be pathogenic. This variant is interpreted as likely pathogenic.

Fulgent Genetics
Classification: Likely pathogenic for Hermansky-Pudlak syndrome 9. Last evaluated: 2024-03-16. Review status: criteria provided, single submitter. Criteria: ACMG Guidelines, 2015. Collection method: clinical testing. Allele origin: germline.

Women's Health and Genetics/Laboratory Corporation of America, LabCorp
Classification: Likely pathogenic for Hermansky-Pudlak syndrome. Last evaluated: 2022-09-12. Review status: criteria provided, single submitter. Criteria: LabCorp Variant Classification Summary - May 2015. Collection method: clinical testing. Allele origin: germline.
Comment: Variant summary: BLOC1S6 c.332_333delAT (p.Tyr111SerfsX16) results in a premature termination codon, predicted to cause a truncation of the encoded protein or absence of the protein due to nonsense mediated decay, which are commonly known mechanisms for disease. Truncations downstream or nearby this variant have been reported in association with Hermansky-Pudlak syndrome 9 in HGMD (p.(His96Leufs*22), p.(Ile118Tyrfs*10)), suggesting that this region of the protein is clinically relevant. The variant was absent in 250154 control chromosomes. To our knowledge, no occurrence of c.332_333delAT in individuals affected with Hermansky-Pudlak Syndrome and no experimental evidence demonstrating its impact on protein function have been reported. One clinical diagnostic laboratory has submitted clinical-significance assessments for this variant to ClinVar after 2014 without evidence for independent evaluation, classifying the variant as pathogenic. Based on the evidence outlined above, the variant was classified as likely pathogenic.

Literature cited by the submitters: PubMed 33543539 (cited by Labcorp Genetics (formerly Invitae), Labcorp).

NM_012388.4(BLOC1S6):c.332_333del (p.Tyr111fs)

Gene: BLOC1S6 (biogenesis of lysosomal organelles complex 1 subunit 6; plus strand). Cytogenetic location: 15q21.1.
Variant type: Deletion.
Coding change: c.332_333del on transcript NM_012388.4 (MANE Select); coding-DNA positions 332 to 333, 2 bases deleted (AT; older notation c.332_333delAT).
Protein change: p.Tyr111fs; shifts the reading frame from tyrosine 111.
Molecular consequence: frameshift variant. On other transcripts: non-coding transcript variant (9).
Genome position (GRCh38, 1-based): chr15:45,605,447-45,605,448, AT deleted; deleting any 2 consecutive bases within chr15:45,605,446-45,605,448 gives the same sequence; the c. name uses the placement nearest the transcript's 3' end. VCF-style (leftmost placement, unchanged base first): chr15-45605445-CTA-C. GRCh37 (hg19) VCF-style: chr15-45897643-CTA-C.
Other names: c.347_348del, p.Tyr116fs (NM_001311255.1); c.259_260del, p.Ile87fs (NM_001311256.1); c.332_333del (NM_012388.2); short protein forms Y111fs, I87fs, Y116fs.
Identifiers: ClinVar variation 1444501 (VCV001444501.11), dbSNP rs2140918991, ClinGen allele CA2573150901.